The following is an entry in ClinVar:

NM_024721.5(ZFHX4):c.490G>A (p.Ala164Thr)

Gene: ZFHX4 (zinc finger homeobox 4; plus strand). Cytogenetic location: 8q21.13.
Variant type: single nucleotide variant.
Coding change: c.490G>A on transcript NM_024721.5 (MANE Select); coding-DNA position 490, G replaced by A.
Protein change: p.Ala164Thr; replaces alanine 164 with threonine.
Molecular consequence: missense variant.
Genome position (GRCh38, 1-based): chr8:76,704,578, G>A. VCF-style: chr8-76704578-G-A. GRCh37 (hg19) VCF-style: chr8-77616813-G-A.
Other names: short protein forms A164T.
Identifiers: ClinVar variation 782751 (VCV000782751.29), dbSNP rs147642461, ClinGen allele CA4786644.

ClinVar aggregate classification (germline): Likely benign. Review status: criteria provided, multiple submitters, no conflicts (2 of 4 stars). 4 submissions from 4 submitters: Likely benign (4). Last evaluated 2026-08-01.

Allele frequency attached by ClinVar (database versions not stated): gnomAD exomes 0.00118 and 0.00201; 1000 Genomes Project 0.00120; ExAC 0.00120; 1000 Genomes Project 30x 0.00125; gnomAD 0.00139 and 0.00140; ESP Exome Variant Server 0.00140; TOPMed 0.00140.
gnomAD v4.1: 3,111 of 1,613,932 alleles (0.19%); highest among the groups gnomAD compares: Non-Finnish European, 0.24%; 10 homozygotes.

Submissions (4):

CeGaT Center for Human Genetics Tuebingen
Classification: Likely benign. Last evaluated: 2026-08-01. Review status: criteria provided, single submitter. Criteria: CeGaT Center For Human Genetics Tuebingen Variant Classification Criteria Version 2. Collection method: clinical testing. Allele origin: germline. Affected: yes. Observed: 4 variant alleles.
Comment: ZFHX4: BS1

Blueprint Genetics
Classification: Likely benign. Last evaluated: 2024-11-06. Review status: criteria provided, single submitter. Criteria: ACMG Guidelines, 2015. Collection method: clinical testing. Allele origin: germline.

Labcorp Genetics (formerly Invitae), Labcorp
Classification: Likely benign. Last evaluated: 2018-07-06. Review status: criteria provided, single submitter. Criteria: Invitae Variant Classification Sherloc (09022015). Collection method: clinical testing. Allele origin: germline.

Breakthrough Genomics
Classification: Likely benign. Review status: criteria provided, single submitter. Criteria: ACMG Guidelines, 2015. Collection method: not provided. Allele origin: germline. Inheritance: Autosomal dominant inheritance. Affected: yes.